The following is an entry in ClinVar:

ClinVar aggregate classification (germline): Uncertain significance (1 of 4 stars; one submission).

Submission:

GeneDx
Classification: Uncertain significance. Last evaluated: 2022-02-26. Review status: criteria provided, single submitter. Criteria: GeneDx Variant Classification Process June 2021. Collection method: clinical testing. Allele origin: germline. Affected: yes.
Comment: Not observed at significant frequency in large population cohorts (gnomAD); In silico analysis supports that this missense variant does not alter protein structure/function; Has not been previously published as pathogenic or benign to our knowledge

NM_004519.4(KCNQ3):c.2446T>C (p.Tyr816His)

Gene: KCNQ3 (potassium voltage-gated channel subfamily Q member 3; minus strand). Cytogenetic location: 8q24.22.
Variant type: single nucleotide variant.
Coding change: c.2446T>C on transcript NM_004519.4 (MANE Select); coding-DNA position 2446, T replaced by C.
Protein change: p.Tyr816His; replaces tyrosine 816 with histidine.
Molecular consequence: missense variant.
Genome position (GRCh38, 1-based): chr8:132,129,435, A>G on the plus strand (T>C on the coding strand, the complement: KCNQ3 is on the minus strand). VCF-style: chr8-132129435-A-G. GRCh37 (hg19) VCF-style: chr8-133141682-A-G.
Other names: c.2086T>C, p.Tyr696His (NM_001204824.2); short protein forms Y696H, Y816H.
Identifiers: ClinVar variation 1703443 (VCV001703443.2), dbSNP rs1824781356, ClinGen allele CA372215874.